The following is an entry in ClinVar:

ClinVar aggregate classification (germline): Uncertain significance (1 of 4 stars; one submission).

Conditions:
Hereditary cancer-predisposing syndrome. Also called: Neoplastic Syndromes, Hereditary; Tumor predisposition; Hereditary Cancer Syndrome; Hereditary neoplastic syndrome. Identifiers: Orphanet 140162, MedGen C0027672, MeSH D009386, MONDO:0015356.

Submission:

Color Diagnostics, LLC DBA Color Health
Classification: Uncertain significance for Hereditary cancer-predisposing syndrome. Last evaluated: 2024-06-25. Review status: criteria provided, single submitter. Criteria: ACMG Guidelines, 2015. Collection method: clinical testing. Allele origin: germline.
Comment: This missense variant replaces cysteine with tyrosine at codon 2422 of the BRCA2 protein. Computational prediction is inconclusive regarding the impact of this variant on protein structure and function (internally defined REVEL score threshold 0.5 < inconclusive < 0.7, PMID: 27666373). To our knowledge, functional studies have not been reported for this variant. This variant has not been reported in individuals affected with BRCA2-related disorders in the literature. This variant has not been identified in the general population by the Genome Aggregation Database (gnomAD). The available evidence is insufficient to determine the role of this variant in disease conclusively. Therefore, this variant is classified as a Variant of Uncertain Significance.

NM_000059.4(BRCA2):c.7265G>A (p.Cys2422Tyr)

Gene: BRCA2 (BRCA2 DNA repair associated; plus strand). Cytogenetic location: 13q13.1.
Variant type: single nucleotide variant.
Coding change: c.7265G>A on transcript NM_000059.4 (MANE Select); coding-DNA position 7265, G replaced by A.
Protein change: p.Cys2422Tyr; replaces cysteine 2422 with tyrosine.
Molecular consequence: missense variant. On other transcripts: non-coding transcript variant (1).
Genome position (GRCh38, 1-based): chr13:32,355,118, G>A. VCF-style: chr13-32355118-G-A. GRCh37 (hg19) VCF-style: chr13-32929255-G-A.
Other names: c.7169G>A, p.Cys2390Tyr (NM_001406719.1); c.7265G>A, p.Cys2422Tyr (NM_001406720.1, NM_001432077.1); c.2333G>A, p.Cys778Tyr (NM_001406721.1); c.848G>A, p.Cys283Tyr (NM_001406722.1); short protein forms C2390Y, C2422Y, C283Y, C778Y.
Identifiers: ClinVar variation 3893945 (VCV003893945.1).